The following is an entry in ClinVar:

NM_020320.5(RARS2):c.36+2T>A

Gene: RARS2 (arginyl-tRNA synthetase 2, mitochondrial; minus strand). Cytogenetic location: 6q15.
Variant type: single nucleotide variant.
Coding change: c.36+2T>A on transcript NM_020320.5 (MANE Select); the canonical splice donor site of the intron after coding-DNA position 36, T replaced by A.
Molecular consequence: splice donor variant. On other transcripts: 5 prime UTR variant (7), non-coding transcript variant (20).
Genome position (GRCh38, 1-based): chr6:87,589,920, A>T on the plus strand (T>A on the coding strand, the complement: RARS2 is on the minus strand). VCF-style: chr6-87589920-A-T. GRCh37 (hg19) VCF-style: chr6-88299638-A-T.
Other names: c.-653T>A (NM_001318785.2); c.-709T>A (NM_001350506.2, NM_001350510.2); c.-832T>A (NM_001350507.2); c.-871T>A (NM_001350508.2); c.-579T>A (NM_001350509.2); c.-828T>A (NM_001350511.2); c.36+2T>A (NM_001350505.2).
Identifiers: ClinVar variation 2678264 (VCV002678264.4), dbSNP rs2485823613, ClinGen allele CA364919390.

ClinVar aggregate classification (germline): Likely pathogenic. Review status: criteria provided, multiple submitters, no conflicts (2 of 4 stars). 2 submissions from 2 submitters: Likely pathogenic (2). Last evaluated 2023-03-18.

Conditions:
Pontocerebellar hypoplasia type 6 (PCH6). Identifiers: Orphanet 166073, MedGen C1969084, MONDO:0012683, OMIM 611523.

Submissions (2):

Labcorp Genetics (formerly Invitae), Labcorp
Classification: Likely pathogenic. Last evaluated: 2023-03-18. Review status: criteria provided, single submitter. Criteria: Invitae Variant Classification Sherloc (09022015). Collection method: clinical testing. Allele origin: germline.
Comment: This variant is not present in population databases (gnomAD no frequency). In summary, the currently available evidence indicates that the variant is pathogenic, but additional data are needed to prove that conclusively. Therefore, this variant has been classified as Likely Pathogenic. Algorithms developed to predict the effect of sequence changes on RNA splicing suggest that this variant may disrupt the consensus splice site. This variant has not been reported in the literature in individuals affected with RARS2-related conditions. This sequence change affects a donor splice site in intron 1 of the RARS2 gene. It is expected to disrupt RNA splicing. Variants that disrupt the donor or acceptor splice site typically lead to a loss of protein function (PMID: 16199547), and loss-of-function variants in RARS2 are known to be pathogenic (PMID: 17847012, 22569581, 26083569).

Baylor Genetics
Classification: Likely pathogenic for Pontocerebellar hypoplasia type 6. Last evaluated: 2023-02-04. Review status: criteria provided, single submitter. Criteria: ACMG Guidelines, 2015. Collection method: clinical testing. Allele origin: unknown.

Literature cited by the submitters: PubMed 16199547 (cited by Labcorp Genetics (formerly Invitae), Labcorp); PubMed 17847012 (cited by Labcorp Genetics (formerly Invitae), Labcorp); PubMed 22569581 (cited by Labcorp Genetics (formerly Invitae), Labcorp); PubMed 26083569 (cited by Labcorp Genetics (formerly Invitae), Labcorp).